The following is an entry in ClinVar:

ClinVar aggregate classification (germline): Uncertain significance (1 of 4 stars; one submission).

Conditions:
Cardiovascular phenotype. Identifiers: MedGen CN230736.

Submission:

Ambry Genetics
Classification: Uncertain significance for Cardiovascular phenotype. Last evaluated: 2026-06-03. Review status: criteria provided, single submitter. Criteria: Ambry Variant Classification Scheme 2023. Collection method: clinical testing. Allele origin: germline.
Comment: The c.10399-3C>T intronic variant results from a C to T substitution 3 nucleotides upstream from coding exon 42 in the AKAP9 gene. This nucleotide position is well conserved in available vertebrate species. In silico splice site analysis for this alteration is inconclusive. The evidence for this gene-disease relationship is limited; therefore, the clinical significance of this variant is unclear.

NM_005751.5(AKAP9):c.10399-3C>T

Gene: AKAP9 (A-kinase anchoring protein 9; plus strand). Cytogenetic location: 7q21.2.
Variant type: single nucleotide variant.
Coding change: c.10399-3C>T on transcript NM_005751.5 (MANE Select); 3 bases into the intron before coding-DNA position 10399, C replaced by T.
Molecular consequence: intron variant.
Genome position (GRCh38, 1-based): chr7:92,097,583, C>T. VCF-style: chr7-92097583-C-T. GRCh37 (hg19) VCF-style: chr7-91726897-C-T.
Other names: c.10375-3C>T (NM_147185.3); c.5044-3C>T (NM_001379277.1).
Identifiers: ClinVar variation 4869105 (VCV004869105.1).